The following is an entry in ClinVar:

ClinVar aggregate classification (germline): Likely benign. Review status: criteria provided, multiple submitters, no conflicts (2 of 4 stars). 3 submissions from 3 submitters: Likely benign (3). Last evaluated 2025-04-29.

Conditions:
KMT2E-related disorder. Also called: KMT2E-related condition.

Allele frequency attached by ClinVar (database versions not stated): ExAC 0.00002.
gnomAD v4.1: 47 of 1,613,518 alleles (0.0029%); highest among the groups gnomAD compares: East Asian, 0.0045%; no homozygotes.

Submissions (3):

PreventionGenetics, part of Exact Sciences
Classification: Likely benign for KMT2E-related condition. Last evaluated: 2025-04-29. Review status: criteria provided, single submitter. Criteria: ACMG Guidelines, 2015. Collection method: clinical testing. Allele origin: germline.
Comment: This variant is classified as likely benign based on ACMG/AMP sequence variant interpretation guidelines (Richards et al. 2015 PMID: 25741868, with internal and published modifications).

Labcorp Genetics (formerly Invitae), Labcorp
Classification: Likely benign. Last evaluated: 2024-05-13. Review status: criteria provided, single submitter. Criteria: Invitae Variant Classification Sherloc (09022015). Collection method: clinical testing. Allele origin: germline.

Blueprint Genetics
Classification: Likely benign. Last evaluated: 2020-06-11. Review status: criteria provided, single submitter. Criteria: ACMG Guidelines, 2015. Collection method: clinical testing. Allele origin: germline.

NM_182931.3(KMT2E):c.4971G>A (p.Gly1657=)

Gene: KMT2E (lysine methyltransferase 2E (inactive); plus strand). Cytogenetic location: 7q22.3.
Variant type: single nucleotide variant.
Coding change: c.4971G>A on transcript NM_182931.3 (MANE Select); coding-DNA position 4971, G replaced by A.
Protein change: p.Gly1657=; no amino-acid change (glycine 1657 retained).
Molecular consequence: synonymous variant.
Genome position (GRCh38, 1-based): chr7:105,112,727, G>A. VCF-style: chr7-105112727-G-A. GRCh37 (hg19) VCF-style: chr7-104753174-G-A.
Other names: c.4971G>A (NM_182931.2); c.4845G>A, p.Gly1615= (NM_001410908.1); c.4971G>A, p.Gly1657= (NM_018682.4).
Identifiers: ClinVar variation 2137007 (VCV002137007.6), dbSNP rs775333891, ClinGen allele CA4424869.
Genomic context (GRCh38, chr7:105,112,727, plus strand): 5'-ACCGCACCTTGTACAACAGCCGAATTCCCATCAGCAACACTCTGTAGCACATGTAGTAGG[G>A]CCTGTTCATGCGGTCACCCCTGGGTCGCATATTCATTCTCAAACTGCTGGACACCACTTA-3'
Protein context (NP_891847.1, residues 1647-1667): HQQHSVAHVV[Gly1657=]PVHAVTPGSH